The following is an entry in ClinVar:

ClinVar aggregate classification (germline): Uncertain significance (1 of 4 stars; one submission).

Conditions:
Cardiovascular phenotype. Identifiers: MedGen CN230736.

Submission:

Ambry Genetics
Classification: Uncertain significance for Cardiovascular phenotype. Last evaluated: 2025-09-19. Review status: criteria provided, single submitter. Criteria: Ambry Variant Classification Scheme 2023. Collection method: clinical testing. Allele origin: germline.
Comment: The c.7251_7253delAACinsGAT variant (also known as p.T2418I), located in coding exon 20 of the TNXB gene, results from an in-frame deletion of AAC and insertion of GAT at nucleotide positions 7251 to 7253. This results in the substitution of the threonine residue for an isoleucine residue at codon 2418, an amino acid with similar properties. This amino acid position is not well conserved in available vertebrate species. In addition, the in silico prediction for this alteration is inconclusive (Choi Y et al. PLoS ONE. 2012; 7(10):e46688). Based on the available evidence, the clinical significance of this variant remains unclear.

NM_001365276.2(TNXB):c.7251_7253delinsGAT (p.Thr2418Ile)

Gene: TNXB (tenascin XB; minus strand). Cytogenetic location: 6p21.33.
Variant type: Indel.
Coding change: c.7251_7253delinsGAT on transcript NM_001365276.2 (MANE Select); coding-DNA positions 7251 to 7253, AAC replaced by GAT.
Protein change: p.Thr2418Ile; replaces threonine 2418 with isoleucine.
Molecular consequence: missense variant.
Genome position (GRCh38, 1-based): chr6:32,061,636-32,061,638, GTT replaced by ATC on the plus strand (AAC replaced by GAT on the coding strand, the reverse complement: TNXB is on the minus strand). VCF-style: chr6-32061636-GTT-ATC. GRCh37 (hg19) VCF-style: chr6-32029413-GTT-ATC.
Other names: c.7251_7253delinsGAT, p.Thr2418Ile (NM_019105.8); short protein forms T2418I.
Identifiers: ClinVar variation 1757921 (VCV001757921.3), dbSNP rs2483510629, ClinGen allele CA2580074308.